The following is an entry in ClinVar:

NM_000384.3(APOB):c.10807C>T (p.His3603Tyr)

Gene: APOB (apolipoprotein B; minus strand). Cytogenetic location: 2p24.1.
Variant type: single nucleotide variant.
Coding change: c.10807C>T on transcript NM_000384.3 (MANE Select); coding-DNA position 10807, C replaced by T.
Protein change: p.His3603Tyr; replaces histidine 3603 with tyrosine.
Molecular consequence: missense variant.
Genome position (GRCh38, 1-based): chr2:21,006,061, G>A on the plus strand (C>T on the coding strand, the complement: APOB is on the minus strand). VCF-style: chr2-21006061-G-A. GRCh37 (hg19) VCF-style: chr2-21228933-G-A.
Other names: short protein forms H3603Y.
Identifiers: ClinVar variation 925280 (VCV000925280.7), dbSNP rs750646887, ClinGen allele CA044876.

ClinVar aggregate classification (germline): Conflicting classifications of pathogenicity. Review status: criteria provided, conflicting classifications (1 of 4 stars). 3 submissions from 3 submitters: Uncertain significance (2); Benign (1). Last evaluated 2025-08-21.

Conditions:
Cardiovascular phenotype. Identifiers: MedGen CN230736.
Familial hypobetalipoproteinemia 1. Also called: Hypobetalipoproteinemia, normotriglyceridemic; Acanthocytosis with hypobetalipoproteinemia; APOB-Related Familial Hypobetalipoproteinemia. Identifiers: MedGen C4551990, MONDO:0014252, OMIM 615558.
Hypercholesterolemia, autosomal dominant, type B (FHCL2). Also called: Familial Hypercholesterolemia Type B; HYPERCHOLESTEROLEMIA, FAMILIAL, DUE TO LIGAND-DEFECTIVE APOLIPOPROTEIN B; Familial hypercholesterolemia 2; APOB-Related Familial Hypercholesterolemia, Autosomal Dominant; APOLIPOPROTEIN B-100, FAMILIAL DEFECTIVE; APOLIPOPROTEIN B-100, FAMILIAL LIGAND-DEFECTIVE. Identifiers: MedGen C1704417, MONDO:0007751, OMIM 144010.

Allele frequency attached by ClinVar (database versions not stated): gnomAD exomes below 0.00001; TOPMed below 0.00001; ExAC 0.00001; gnomAD 0.00001.
gnomAD v4.1: 3 of 1,613,924 alleles (0.00019%); highest among the groups gnomAD compares: African/African-American, 0.004%; no homozygotes.

Submissions (3):

Labcorp Genetics (formerly Invitae), Labcorp
Classification: Benign for Familial hypobetalipoproteinemia 1; Hypercholesterolemia, autosomal dominant, type B. Last evaluated: 2025-08-21. Review status: criteria provided, single submitter. Criteria: Invitae Variant Classification Sherloc (09022015). Collection method: clinical testing. Allele origin: germline.

New York Genome Center
Classification: Uncertain significance for Hypercholesterolemia, autosomal dominant, type B; Familial hypobetalipoproteinemia 1. Last evaluated: 2022-04-28. Review status: criteria provided, single submitter. Criteria: NYGC Assertion Criteria 2020. Collection method: clinical testing. Allele origin: germline. Observed: 1 heterozygote.

Ambry Genetics
Classification: Uncertain significance for Cardiovascular phenotype. Last evaluated: 2021-09-07. Review status: criteria provided, single submitter. Criteria: Ambry Variant Classification Scheme 2023. Collection method: clinical testing. Allele origin: germline.
Comment: The p.H3603Y variant (also known as c.10807C>T), located in coding exon 26 of the APOB gene, results from a C to T substitution at nucleotide position 10807. The histidine at codon 3603 is replaced by tyrosine, an amino acid with similar properties. This amino acid position is conserved. In addition, this alteration is predicted to be tolerated by in silico analysis. Since supporting evidence is limited at this time, the clinical significance of this alteration remains unclear.